The following is an entry in ClinVar:

ClinVar aggregate classification (germline): Uncertain significance. Review status: criteria provided, multiple submitters, no conflicts (2 of 4 stars). 2 submissions from 2 submitters: Uncertain significance (2). Last evaluated 2025-01-13.

Allele frequency attached by ClinVar (database versions not stated): gnomAD exomes below 0.00001; ExAC 0.00001.
gnomAD v4.1: 8 of 1,613,924 alleles (0.0005%); highest among the groups gnomAD compares: African/African-American, 0.0013%; no homozygotes.

Submissions (2):

Labcorp Genetics (formerly Invitae), Labcorp
Classification: Uncertain significance. Last evaluated: 2025-01-13. Review status: criteria provided, single submitter. Criteria: Invitae Variant Classification Sherloc (09022015). Collection method: clinical testing. Allele origin: germline.
Comment: This sequence change replaces aspartic acid, which is acidic and polar, with glutamic acid, which is acidic and polar, at codon 187 of the EFEMP1 protein (p.Asp187Glu). This variant is present in population databases (rs750758098, gnomAD 0.0009%). This variant has not been reported in the literature in individuals affected with EFEMP1-related conditions. ClinVar contains an entry for this variant (Variation ID: 836681). Invitae Evidence Modeling of protein sequence and biophysical properties (such as structural, functional, and spatial information, amino acid conservation, physicochemical variation, residue mobility, and thermodynamic stability) indicates that this missense variant is not expected to disrupt EFEMP1 protein function with a negative predictive value of 80%. In summary, the available evidence is currently insufficient to determine the role of this variant in disease. Therefore, it has been classified as a Variant of Uncertain Significance.

Blueprint Genetics
Classification: Uncertain significance. Last evaluated: 2024-11-21. Review status: criteria provided, single submitter. Criteria: ACMG Guidelines, 2015. Collection method: clinical testing. Allele origin: germline.

NM_001039348.3(EFEMP1):c.561C>A (p.Asp187Glu)

Gene: EFEMP1 (EGF-like fibulin extracellular matrix protein 1; minus strand). Cytogenetic location: 2p16.1.
Variant type: single nucleotide variant.
Coding change: c.561C>A on transcript NM_001039348.3 (MANE Select); coding-DNA position 561, C replaced by A.
Protein change: p.Asp187Glu; replaces aspartic acid 187 with glutamic acid.
Molecular consequence: missense variant.
Genome position (GRCh38, 1-based): chr2:55,881,691, G>T on the plus strand (C>A on the coding strand, the complement: EFEMP1 is on the minus strand). VCF-style: chr2-55881691-G-T. GRCh37 (hg19) VCF-style: chr2-56108826-G-T.
Other names: c.561C>A, p.Asp187Glu (NM_001039349.3); short protein forms D187E.
Identifiers: ClinVar variation 836681 (VCV000836681.10), dbSNP rs750758098, ClinGen allele CA1668897.